The following is an entry in ClinVar:

NM_024685.4(BBS10):c.2T>A (p.Met1Lys)

Gene: BBS10 (Bardet-Biedl syndrome 10; minus strand). Cytogenetic location: 12q21.2.
Variant type: single nucleotide variant.
Coding change: c.2T>A on transcript NM_024685.4 (MANE Select); coding-DNA position 2, T replaced by A.
Protein change: p.Met1Lys; changes the start codon (methionine 1).
Molecular consequence: missense variant, initiator codon variant.
Genome position (GRCh38, 1-based): chr12:76,348,357, A>T on the plus strand (T>A on the coding strand, the complement: BBS10 is on the minus strand). VCF-style: chr12-76348357-A-T. GRCh37 (hg19) VCF-style: chr12-76742137-A-T.
Other names: short protein forms M1K.
Identifiers: ClinVar variation 4997241 (VCV004997241.1).

ClinVar aggregate classification (germline): Uncertain significance (1 of 4 stars; one submission).

Conditions:
BBS10-related disorder. Also called: BBS10-related condition.

Submission:

PreventionGenetics, part of Exact Sciences
Classification: Uncertain significance for BBS10-related condition. Last evaluated: 2024-12-17. Review status: criteria provided, single submitter. Criteria: ACMG Guidelines, 2015. Collection method: clinical testing. Allele origin: germline.
Comment: The BBS10 c.2T>A variant is predicted to disrupt the translation initiation site (Start loss). Although this variant eliminates the canonical translation start codon, an alternate start site is present downstream at the fifth codon. To our knowledge, this variant has not been reported in the literature or in a large population database (gnomAD), indicating this variant is rare. At this time, the clinical significance of this variant is uncertain due to the absence of conclusive functional and genetic evidence.